The following is an entry in ClinVar:

ClinVar aggregate classification (germline): Likely pathogenic. Review status: criteria provided, multiple submitters, no conflicts (2 of 4 stars). 2 submissions from 2 submitters: Likely pathogenic (2). Last evaluated 2024-04-30.

Conditions:
Usher syndrome type 2C. Also called: Usher syndrome, type 2B; USHER SYNDROME, TYPE IIC. Identifiers: Orphanet 231178, Orphanet 886, MedGen C2931213, MONDO:0011558, OMIM 605472.
Febrile seizures, familial, 4 (FEB4). Also called: CONVULSIONS, FAMILIAL FEBRILE, 4. Identifiers: MedGen C1858493, MONDO:0011443, OMIM 604352.

Allele frequency attached by ClinVar (database versions not stated): TOPMed below 0.00001.

Submissions (2):

Fulgent Genetics
Classification: Likely pathogenic for Febrile seizures, familial, 4; Usher syndrome type 2C. Last evaluated: 2024-04-30. Review status: criteria provided, single submitter. Criteria: ACMG Guidelines, 2015. Collection method: clinical testing. Allele origin: germline.

Labcorp Genetics (formerly Invitae), Labcorp
Classification: Likely pathogenic. Last evaluated: 2022-12-17. Review status: criteria provided, single submitter. Criteria: Invitae Variant Classification Sherloc (09022015). Collection method: clinical testing. Allele origin: germline.
Comment: Algorithms developed to predict the effect of sequence changes on RNA splicing suggest that this variant may disrupt the consensus splice site. In summary, the currently available evidence indicates that the variant is pathogenic, but additional data are needed to prove that conclusively. Therefore, this variant has been classified as Likely Pathogenic. This variant has not been reported in the literature in individuals affected with ADGRV1-related conditions. This variant is not present in population databases (gnomAD no frequency). This sequence change affects a donor splice site in intron 56 of the ADGRV1 gene. It is expected to disrupt RNA splicing. Variants that disrupt the donor or acceptor splice site typically lead to a loss of protein function (PMID: 16199547), and loss-of-function variants in ADGRV1 are known to be pathogenic (PMID: 19357117, 22135276, 22147658, 26226137, 30718709, 31047384, 32467589).

Literature cited by the submitters: PubMed 16199547 (cited by Labcorp Genetics (formerly Invitae), Labcorp); PubMed 19357117 (cited by Labcorp Genetics (formerly Invitae), Labcorp); PubMed 22135276 (cited by Labcorp Genetics (formerly Invitae), Labcorp); PubMed 22147658 (cited by Labcorp Genetics (formerly Invitae), Labcorp); PubMed 26226137 (cited by Labcorp Genetics (formerly Invitae), Labcorp); PubMed 30718709 (cited by Labcorp Genetics (formerly Invitae), Labcorp); PubMed 31047384 (cited by Labcorp Genetics (formerly Invitae), Labcorp); PubMed 32467589 (cited by Labcorp Genetics (formerly Invitae), Labcorp).

NM_032119.4(ADGRV1):c.11757+2T>C

Gene: ADGRV1 (adhesion G protein-coupled receptor V1; plus strand). Cytogenetic location: 5q14.3.
Variant type: single nucleotide variant.
Coding change: c.11757+2T>C on transcript NM_032119.4 (MANE Select); the canonical splice donor site of the intron after coding-DNA position 11757, T replaced by C.
Molecular consequence: splice donor variant.
Genome position (GRCh38, 1-based): chr5:90,756,632, T>C. VCF-style: chr5-90756632-T-C. GRCh37 (hg19) VCF-style: chr5-90052449-T-C.
Identifiers: ClinVar variation 2994209 (VCV002994209.4), dbSNP rs1755861358, ClinGen allele CA360370451.
Genomic context (GRCh38, chr5:90,756,632, plus strand): 5'-AGATAATGATAGAAGAAAATGACGATCCCAGAGGAATTTTTATGTTTCATGTTACTAGAG[T>C]GAGATGAACTTTCATTTGTTTACAGTCATACAGAGGCCTCTCCCTGCTGATTTGGCCAGT-3'